The following is an entry in ClinVar:

ClinVar aggregate classification (germline): Likely pathogenic (1 of 4 stars; one submission).

Submission:

CeGaT Center for Human Genetics Tuebingen
Classification: Likely pathogenic. Last evaluated: 2025-08-01. Review status: criteria provided, single submitter. Criteria: CeGaT Center For Human Genetics Tuebingen Variant Classification Criteria Version 2. Collection method: clinical testing. Allele origin: germline. Affected: yes. Observed: 2 variant alleles.
Comment: TNFAIP3: PVS1:Strong, PM2

NM_001270508.2(TNFAIP3):c.2085del (p.Gln695fs)

Gene: TNFAIP3 (TNF alpha induced protein 3; plus strand). Cytogenetic location: 6q23.3.
Variant type: Deletion.
Coding change: c.2085del on transcript NM_001270508.2 (MANE Select); coding-DNA position 2085, one base deleted (A; older notation c.2085delA).
Protein change: p.Gln695fs; shifts the reading frame from glutamine 695.
Molecular consequence: frameshift variant.
Genome position (GRCh38, 1-based): chr6:137,880,249, A deleted; the last of 2 consecutive A bases (chr6:137,880,248-137,880,249); deleting either gives the same sequence. VCF-style (leftmost placement, unchanged base first): chr6-137880247-CA-C. GRCh37 (hg19) VCF-style: chr6-138201384-CA-C.
Other names: c.2085del, p.Gln695fs (NM_001270507.2, NM_006290.4); short protein forms Q695fs.
Identifiers: ClinVar variation 3905864 (VCV003905864.10).